The following is an entry in ClinVar:

ClinVar aggregate classification (germline): Uncertain significance (1 of 4 stars; one submission).

Conditions:
Duchenne muscular dystrophy (DMD). Also called: MUSCULAR DYSTROPHY, PSEUDOHYPERTROPHIC PROGRESSIVE, DUCHENNE TYPE; Duchenne Muscular Dystrophy (DMD). Identifiers: Orphanet 98896, MedGen C0013264, MONDO:0010679, OMIM 310200.

Submission:

Labcorp Genetics (formerly Invitae), Labcorp
Classification: Uncertain significance for Duchenne muscular dystrophy. Last evaluated: 2024-04-10. Review status: criteria provided, single submitter. Criteria: Invitae Variant Classification Sherloc (09022015). Collection method: clinical testing. Allele origin: germline.
Comment: This sequence change replaces tryptophan, which is neutral and slightly polar, with cysteine, which is neutral and slightly polar, at codon 118 of the DMD protein (p.Trp118Cys). This variant is not present in population databases (gnomAD no frequency). This variant has not been reported in the literature in individuals affected with DMD-related conditions. ClinVar contains an entry for this variant (Variation ID: 1513374). Advanced modeling of protein sequence and biophysical properties (such as structural, functional, and spatial information, amino acid conservation, physicochemical variation, residue mobility, and thermodynamic stability) has been performed at Invitae for this missense variant, however the output from this modeling did not meet the statistical confidence thresholds required to predict the impact of this variant on DMD protein function. In summary, the available evidence is currently insufficient to determine the role of this variant in disease. Therefore, it has been classified as a Variant of Uncertain Significance.

NM_004006.3(DMD):c.354G>C (p.Trp118Cys)

Gene: DMD (dystrophin; minus strand). Cytogenetic location: Xp21.1.
Variant type: single nucleotide variant.
Coding change: c.354G>C on transcript NM_004006.3 (MANE Select); coding-DNA position 354, G replaced by C.
Protein change: p.Trp118Cys; replaces tryptophan 118 with cysteine.
Molecular consequence: missense variant. On other transcripts: 5 prime UTR variant (1).
Genome position (GRCh38, 1-based): chrX:32,823,298, C>G on the plus strand (G>C on the coding strand, the complement: DMD is on the minus strand). VCF-style: chrX-32823298-C-G. GRCh37 (hg19) VCF-style: chrX-32841415-C-G.
Other names: c.330G>C, p.Trp110Cys (NM_000109.4); c.342G>C, p.Trp114Cys (NM_004009.3); c.-16G>C (NM_004010.3); short protein forms W110C, W114C, W118C.
Identifiers: ClinVar variation 1513374 (VCV001513374.6), dbSNP rs2148849959, ClinGen allele CA412674415.